The following is an entry in ClinVar:

NM_000093.5(COL5A1):c.1990-17T>G

Gene: COL5A1 (collagen type V alpha 1 chain; plus strand). Cytogenetic location: 9q34.3.
Variant type: single nucleotide variant.
Coding change: c.1990-17T>G on transcript NM_000093.5 (MANE Select); 17 bases into the intron before coding-DNA position 1990, T replaced by G.
Molecular consequence: intron variant.
Genome position (GRCh38, 1-based): chr9:134,763,676, T>G. VCF-style: chr9-134763676-T-G. GRCh37 (hg19) VCF-style: chr9-137655522-T-G.
Other names: c.1990-17T>G (NM_001278074.1).
Identifiers: ClinVar variation 3769015 (VCV003769015.1).

ClinVar aggregate classification (germline): Likely benign (1 of 4 stars; one submission).

Submission:

Women's Health and Genetics/Laboratory Corporation of America, LabCorp
Classification: Likely benign. Last evaluated: 2025-02-17. Review status: criteria provided, single submitter. Criteria: LabCorp Variant Classification Summary - May 2015. Collection method: clinical testing. Allele origin: germline.
Comment: Variant summary: COL5A1 c.1990-17T>G alters a non-conserved nucleotide located at a position not widely known to affect splicing. Consensus agreement among computation tools predict no significant impact on normal splicing. However, these predictions have yet to be confirmed by functional studies. The variant was absent in 1613162 control chromosomes. The available data on variant occurrences in the general population are insufficient to allow any conclusion about variant significance. To our knowledge, no occurrence of c.1990-17T>G in individuals affected with Ehlers-Danlos syndrome, classic type, Ehlers-Danlos syndrome, classic type, 1 and no experimental evidence demonstrating its impact on protein function have been reported. No submitters have cited clinical-significance assessments for this variant to ClinVar. Based on the evidence outlined above, the variant was classified as likely benign.